The following is an entry in ClinVar:

NM_019616.4(F7):c.279C>A (p.Cys93Ter)

Gene: F7 (coagulation factor VII; plus strand). Cytogenetic location: 13q34.
Variant type: single nucleotide variant.
Coding change: c.279C>A on transcript NM_019616.4 (MANE Select); coding-DNA position 279, C replaced by A.
Protein change: p.Cys93Ter; replaces cysteine 93 with a stop codon.
Molecular consequence: nonsense. On other transcripts: non-coding transcript variant (1).
Genome position (GRCh38, 1-based): chr13:113,113,875, C>A. VCF-style: chr13-113113875-C-A. GRCh37 (hg19) VCF-style: chr13-113768189-C-A.
Other names: c.345C>A, p.Cys115Ter (NM_000131.5); c.93C>A, p.Cys31Ter (NM_001267554.2); short protein forms C115*, C31*, C93*.
Identifiers: ClinVar variation 4530779 (VCV004530779.1).

ClinVar aggregate classification (germline): Pathogenic (1 of 4 stars; one submission).

Submission:

GeneDx
Classification: Pathogenic. Last evaluated: 2025-05-18. Review status: criteria provided, single submitter. Criteria: GeneDx Variant Classification Process June 2021. Collection method: clinical testing. Allele origin: germline. Affected: yes.
Comment: Nonsense variant predicted to result in protein truncation or nonsense mediated decay in a gene for which loss of function is a known mechanism of disease; Not observed at significant frequency in large population cohorts (gnomAD); This variant is associated with the following publications: (PMID: 25525159, 21206266, 33038747, 18180623)